The following is an entry in ClinVar:

NM_133259.4(LRPPRC):c.233A>G (p.Lys78Arg)

Gene: LRPPRC (leucine rich pentatricopeptide repeat containing; minus strand). Cytogenetic location: 2p21.
Variant type: single nucleotide variant.
Coding change: c.233A>G on transcript NM_133259.4 (MANE Select); coding-DNA position 233, A replaced by G.
Protein change: p.Lys78Arg; replaces lysine 78 with arginine.
Molecular consequence: missense variant.
Genome position (GRCh38, 1-based): chr2:43,982,351, T>C on the plus strand (A>G on the coding strand, the complement: LRPPRC is on the minus strand). VCF-style: chr2-43982351-T-C. GRCh37 (hg19) VCF-style: chr2-44209490-T-C.
Other names: c.233A>G (NM_133259.3); short protein forms K78R.
Identifiers: ClinVar variation 2173819 (VCV002173819.3), dbSNP rs1234297037, ClinGen allele CA346678281.

ClinVar aggregate classification (germline): Conflicting classifications of pathogenicity. Review status: criteria provided, conflicting classifications (1 of 4 stars). 2 submissions from 2 submitters: Uncertain significance (1); Likely benign (1). Last evaluated 2025-10-15.

Conditions:
Inborn genetic diseases. Identifiers: MedGen C0950123, MeSH D030342.

Allele frequency attached by ClinVar (database versions not stated): gnomAD exomes below 0.00001; gnomAD 0.00001; TOPMed below 0.00001.
gnomAD v4.1: 3 of 1,613,724 alleles (0.00019%); highest among the groups gnomAD compares: Admixed American, 0.0017%; no homozygotes.

Submissions (2):

Ambry Genetics
Classification: Likely benign for Inborn genetic diseases. Last evaluated: 2025-10-15. Review status: criteria provided, single submitter. Criteria: Ambry Variant Classification Scheme 2023. Collection method: clinical testing. Allele origin: germline.

Labcorp Genetics (formerly Invitae), Labcorp
Classification: Uncertain significance. Last evaluated: 2022-05-27. Review status: criteria provided, single submitter. Criteria: Invitae Variant Classification Sherloc (09022015). Collection method: clinical testing. Allele origin: germline.
Comment: In summary, the available evidence is currently insufficient to determine the role of this variant in disease. Therefore, it has been classified as a Variant of Uncertain Significance. Algorithms developed to predict the effect of missense changes on protein structure and function output the following: SIFT: "Tolerated"; PolyPhen-2: "Benign"; Align-GVGD: "Class C0". The arginine amino acid residue is found in multiple mammalian species, which suggests that this missense change does not adversely affect protein function. This variant has not been reported in the literature in individuals affected with LRPPRC-related conditions. This variant is present in population databases (no rsID available, gnomAD 0.01%). This sequence change replaces lysine, which is basic and polar, with arginine, which is basic and polar, at codon 78 of the LRPPRC protein (p.Lys78Arg).